The following continues an entry in ClinVar:

NM_004360.5(CDH1):c.2064_2065del (p.Cys688_Glu689delinsTer)

Gene: CDH1. ClinVar aggregate classification (germline): Pathogenic. Pathogenic (1).

Submissions 12 to 16 of 16:

Revvity Omics, Revvity
Classification: Pathogenic. Last evaluated: 2019-07-25. Review status: criteria provided, single submitter. Criteria: ACMG Guidelines, 2015. Collection method: clinical testing. Allele origin: germline. Not counted in ClinVar's aggregate classification.

Women's Health and Genetics/Laboratory Corporation of America, LabCorp
Classification: Pathogenic for Hereditary diffuse gastric adenocarcinoma. Last evaluated: 2017-02-09. Review status: criteria provided, single submitter. Criteria: LabCorp Variant Classification Summary - May 2015. Collection method: clinical testing. Allele origin: germline. Not counted in ClinVar's aggregate classification.
Comment: Variant summary: The CDH1 c.2064_2065delTG (p.Cys688Terfs) variant results in a premature termination codon, predicted to cause a truncated or absent CDH1 protein due to nonsense mediated decay, which are commonly known mechanisms for disease. Truncations downstream of this position have been classified as likely pathogenic by our laboratory (e.g.c.2287G>T/p.Glu763X). One in silico tool predicts a damaging outcome for this variant. This variant has been reported in multiple patients with HDGC or HBOC and is absent in 121404 control chromosomes. In addition, multiple clinical diagnostic laboratories/reputable databases classified this variant as pathogenic. Taken together, this variant is classified as pathogenic.

PreventionGenetics, part of Exact Sciences
Classification: Pathogenic for CDH1-related condition. Last evaluated: 2023-12-20. Review status: no assertion criteria provided. Collection method: clinical testing. Allele origin: germline. Not counted in ClinVar's aggregate classification.
Comment: The CDH1 c.2064_2065delTG variant is predicted to result in premature protein termination (p.Cys688*). This variant has been reported in individuals with cleft lip and palate (Green et al 2022. PubMed ID: 36246616). Additionally, this variant has been reported in multiple individuals with diffuse gastric, breast, or colorectal cancer (see for example, Kaurah et al. 2007. PubMed ID: 17545690; Xicola et al. 2019. PubMed ID: 31296550; Stillman et al. 2022. PubMed ID: 36063148). This variant has not been reported in a large population database, indicating this variant is rare. This variant has been classified as pathogenic by an expert panel in ClinVar. Nonsense variants in CDH1 are expected to be pathogenic. This variant is interpreted as pathogenic.

Laboratory for Genotyping Development, RIKEN
Classification: Pathogenic for Gastric cancer. Last evaluated: 2021-07-01. Review status: no assertion criteria provided. Collection method: research. Allele origin: germline. Not counted in ClinVar's aggregate classification.

Counsyl
Classification: Pathogenic for Hereditary diffuse gastric adenocarcinoma. Last evaluated: 2016-12-10. Review status: no assertion criteria provided. Collection method: clinical testing. Allele origin: unknown. Not counted in ClinVar's aggregate classification.

Literature cited by the submitters: PubMed 15235021 (cited by 7 submitters); PubMed 20373070 (cited by Labcorp Genetics (formerly Invitae), Labcorp); PubMed 17545690 (cited by 7 submitters); PubMed 18391748 (cited by 5 submitters); PubMed 26072394 (cited by 6 submitters); PubMed 29307626 (cited by 4 submitters); PubMed 31296550 (cited by Quest Diagnostics Nichols Institute San Juan Capistrano and Color Diagnostics, LLC DBA Color Health); PubMed 36436516 (cited by Quest Diagnostics Nichols Institute San Juan Capistrano and European Reference Network on Genetic Tumour Risk Syndromes (ERN-GENTURIS), i3s - Instituto de Investigação e Inovação em Saúde, University of Porto); PubMed 36246616 (cited by Quest Diagnostics Nichols Institute San Juan Capistrano and Mayo Clinic Laboratories, Mayo Clinic); PubMed 21271559 (cited by Quest Diagnostics Nichols Institute San Juan Capistrano and Women's Health and Genetics/Laboratory Corporation of America, LabCorp); PubMed 34949788 (cited by Mayo Clinic Laboratories, Mayo Clinic); PubMed 21424370 (cited by 3 submitters); PubMed 36988593 (cited by Laboratory for Genotyping Development, RIKEN).